The following is an entry in ClinVar:

ClinVar aggregate classification (germline): Uncertain significance (1 of 4 stars; one submission).

Submission:

GeneDx
Classification: Uncertain significance. Last evaluated: 2024-08-15. Review status: criteria provided, single submitter. Criteria: GeneDx Variant Classification Process June 2021. Collection method: clinical testing. Allele origin: germline. Affected: yes.
Comment: Not observed at significant frequency in large population cohorts (gnomAD); In silico analysis supports that this missense variant has a deleterious effect on protein structure/function; Has not been previously published as pathogenic or benign to our knowledge; This variant is associated with the following publications: (PMID: 18034775, 20619386)

NM_005188.4(CBL):c.911C>T (p.Ala304Val)

Gene: CBL (Cbl proto-oncogene; plus strand). Cytogenetic location: 11q23.3.
Variant type: single nucleotide variant.
Coding change: c.911C>T on transcript NM_005188.4 (MANE Select); coding-DNA position 911, C replaced by T.
Protein change: p.Ala304Val; replaces alanine 304 with valine.
Molecular consequence: missense variant.
Genome position (GRCh38, 1-based): chr11:119,276,038, C>T. VCF-style: chr11-119276038-C-T. GRCh37 (hg19) VCF-style: chr11-119146748-C-T.
Other names: short protein forms A304V.
Identifiers: ClinVar variation 3731012 (VCV003731012.1).
Genomic context (GRCh38, chr11:119,276,038, plus strand): 5'-TGTTTATGTCTGTTCATAGTTATATCTTCCGGCTGAGCTGTACTCGTCTGGGTCAGTGGG[C>T]TATTGGGTATGTTACTGCTGATGGGAACATTCTCCAGACAATCCCTCACAATAAACCTCT-3'
Protein context (NP_005179.2, residues 294-314): RLSCTRLGQW[Ala304Val]IGYVTADGNI